The following is an entry in ClinVar:

NM_001195263.2(PDZD7):c.1747C>T (p.Arg583Trp)

Gene: PDZD7 (PDZ domain containing 7; minus strand). Cytogenetic location: 10q24.31.
Variant type: single nucleotide variant.
Coding change: c.1747C>T on transcript NM_001195263.2 (MANE Select); coding-DNA position 1747, C replaced by T.
Protein change: p.Arg583Trp; replaces arginine 583 with tryptophan.
Molecular consequence: missense variant.
Genome position (GRCh38, 1-based): chr10:101,015,638, G>A on the plus strand (C>T on the coding strand, the complement: PDZD7 is on the minus strand). VCF-style: chr10-101015638-G-A. GRCh37 (hg19) VCF-style: chr10-102775395-G-A.
Other names: short protein forms R583W.
Identifiers: ClinVar variation 1363154 (VCV001363154.5), dbSNP rs972518774, ClinGen allele CA212981926.

ClinVar aggregate classification (germline): Uncertain significance. Review status: criteria provided, multiple submitters, no conflicts (2 of 4 stars). 3 submissions from 3 submitters: Uncertain significance (2). 1 of the submissions does not count toward it. Last evaluated 2024-02-21.

Conditions:
Retinal dystrophy. Also called: Inherited retinal dystrophy. Identifiers: Orphanet 71862, MedGen C0854723, MeSH D058499, MONDO:0019118, HP:0000556.

Allele frequency attached by ClinVar (database versions not stated): gnomAD 0.00005 and 0.00006; TOPMed 0.00005; gnomAD exomes 0.00007.

Submissions (3):

Blueprint Genetics
Classification: Uncertain significance. Last evaluated: 2024-02-21. Review status: criteria provided, single submitter. Criteria: ACMG Guidelines, 2015. Collection method: clinical testing. Allele origin: germline.

Labcorp Genetics (formerly Invitae), Labcorp
Classification: Uncertain significance. Last evaluated: 2022-07-03. Review status: criteria provided, single submitter. Criteria: Invitae Variant Classification Sherloc (09022015). Collection method: clinical testing. Allele origin: germline.
Comment: This sequence change replaces arginine, which is basic and polar, with tryptophan, which is neutral and slightly polar, at codon 583 of the PDZD7 protein (p.Arg583Trp). This variant is present in population databases (no rsID available, gnomAD 0.03%). This variant has not been reported in the literature in individuals affected with PDZD7-related conditions. ClinVar contains an entry for this variant (Variation ID: 1363154). Algorithms developed to predict the effect of missense changes on protein structure and function are either unavailable or do not agree on the potential impact of this missense change (SIFT: "Deleterious"; PolyPhen-2: "Not Available"; Align-GVGD: "Class C0"). In summary, the available evidence is currently insufficient to determine the role of this variant in disease. Therefore, it has been classified as a Variant of Uncertain Significance.

Institute of Human Genetics, Univ. Regensburg, Univ. Regensburg
Classification: Uncertain significance for Retinal dystrophy. Last evaluated: 2023-01-01. Review status: no assertion criteria provided. Criteria: ACMG Guidelines, 2015. Collection method: clinical testing. Allele origin: germline. Affected: yes. Not counted in ClinVar's aggregate classification.